The following is an entry in ClinVar:

ClinVar aggregate classification (germline): Uncertain significance (1 of 4 stars; one submission).

Allele frequency attached by ClinVar (database versions not stated): ExAC 0.00004.
gnomAD v4.1: 4 of 1,597,896 alleles (0.00025%); highest among the groups gnomAD compares: African/African-American, 0.0054%; no homozygotes.

Submission:

Labcorp Genetics (formerly Invitae), Labcorp
Classification: Uncertain significance. Last evaluated: 2023-10-22. Review status: criteria provided, single submitter. Criteria: Invitae Variant Classification Sherloc (09022015). Collection method: clinical testing. Allele origin: germline.
Comment: This sequence change falls in intron 14 of the CSF1R gene. It does not directly change the encoded amino acid sequence of the CSF1R protein. It affects a nucleotide within the consensus splice site. This variant is present in population databases (rs756528673, gnomAD 0.007%). This variant has not been reported in the literature in individuals affected with CSF1R-related conditions. Variants that disrupt the consensus splice site are a relatively common cause of aberrant splicing (PMID: 17576681, 9536098). Algorithms developed to predict the effect of sequence changes on RNA splicing suggest that this variant is not likely to affect RNA splicing. In summary, the available evidence is currently insufficient to determine the role of this variant in disease. Therefore, it has been classified as a Variant of Uncertain Significance.

Literature cited by the submitters: PubMed 17576681; PubMed 9536098.

NM_001288705.3(CSF1R):c.1969+5G>C

Gene: CSF1R (colony stimulating factor 1 receptor; minus strand). Cytogenetic location: 5q32.
Variant type: single nucleotide variant.
Coding change: c.1969+5G>C on transcript NM_001288705.3 (MANE Select); 5 bases into the intron after coding-DNA position 1969, G replaced by C.
Molecular consequence: intron variant.
Genome position (GRCh38, 1-based): chr5:150,060,857, C>G on the plus strand (G>C on the coding strand, the complement: CSF1R is on the minus strand). VCF-style: chr5-150060857-C-G. GRCh37 (hg19) VCF-style: chr5-149440420-C-G.
Other names: c.1525+5G>C (NM_001375321.1); c.1969+5G>C (NM_005211.4, NM_001375320.1, NM_001349736.2).
Identifiers: ClinVar variation 2822722 (VCV002822722.3), dbSNP rs756528673, ClinGen allele CA3506625.